The following is an entry in ClinVar:

ClinVar aggregate classification (germline): Likely pathogenic (1 of 4 stars; one submission).

Conditions:
Niemann-Pick disease, type C1. Also called: NEUROVISCERAL STORAGE DISEASE WITH VERTICAL SUPRANUCLEAR OPHTHALMOPLEGIA; NIEMANN-PICK DISEASE WITH CHOLESTEROL ESTERIFICATION BLOCK; NIEMANN-PICK DISEASE WITHOUT SPHINGOMYELINASE DEFICIENCY; NIEMANN-PICK DISEASE, CHRONIC NEURONOPATHIC FORM; NIEMANN-PICK DISEASE, VARIANT TYPE C1. Identifiers: Orphanet 646, MedGen C3179455, MONDO:0009757, OMIM 257220.

Submission:

Myriad Genetics, Inc.
Classification: Likely pathogenic for Niemann-Pick disease, type C1. Last evaluated: 2022-03-08. Review status: criteria provided, single submitter. Criteria: Myriad Women's Health Autosomal Recessive and X-Linked Classification Criteria (2021). Collection method: clinical testing. Allele origin: unknown.
Comment: NM_000271.4(NPC1):c.3182_3183delTA(I1061Sfs*3) is expected to be pathogenic in the context of Niemann-Pick disease type C1. This variant is predicted to lead to an abnormal or absent protein product due to the creation of a premature termination codon in NPC1, a gene where loss-of-function variants are known to be pathogenic. Please note: this variant was assessed in the context of healthy population screening.

NM_000271.5(NPC1):c.3182_3183del (p.Ile1061fs)

Gene: NPC1 (NPC intracellular cholesterol transporter 1; minus strand). Cytogenetic location: 18q11.2.
Variant type: Microsatellite.
Coding change: c.3182_3183del on transcript NM_000271.5 (MANE Select); coding-DNA positions 3182 to 3183, 2 bases deleted (TA; older notation c.3182_3183delTA).
Protein change: p.Ile1061fs; shifts the reading frame from isoleucine 1061.
Molecular consequence: frameshift variant.
Genome position (GRCh38, 1-based): chr18:23,536,735-23,536,736, TA deleted on the plus strand (TA on the coding strand, the reverse complement: NPC1 is on the minus strand); deleting any 2 consecutive bases within chr18:23,536,735-23,536,738 gives the same sequence; the c. name uses the placement nearest the transcript's 3' end. VCF-style (leftmost placement, unchanged base first): chr18-23536734-CTA-C. GRCh37 (hg19) VCF-style: chr18-21116698-CTA-C.
Other names: short protein forms I1061fs.
Identifiers: ClinVar variation 1725130 (VCV001725130.2), dbSNP rs2511196937, ClinGen allele CA2580613281.
Genomic context (GRCh38, chr18:23,536,734, plus strand): 5'-TGTAAGGAAATACTCGGTAGGCACTGCCGTTAATGCCCATGGTTTCGGTGACATTACTGG[CTA>C]TAAGTCGGGCTTTCTTCAGAGCGTCAATAAAGTCAGCAGAGGTCTGCAGCACGGTGTGGT-3'